The following is an entry in ClinVar:

ClinVar aggregate classification (germline): Likely benign (1 of 4 stars; one submission).

gnomAD v4.1: 73 of 398,312 alleles (0.018%); highest among the groups gnomAD compares: Admixed American, 0.15%; no homozygotes.

Submission:

CeGaT Center for Human Genetics Tuebingen
Classification: Likely benign. Last evaluated: 2025-04-01. Review status: criteria provided, single submitter. Criteria: CeGaT Center For Human Genetics Tuebingen Variant Classification Criteria Version 2. Collection method: clinical testing. Allele origin: germline. Affected: yes. Observed: 2 variant alleles.
Comment: KCNQ1OT1: BS1

NM_000218.3(KCNQ1):c.1393+24730G>A

Genes: KCNQ1 (potassium voltage-gated channel subfamily Q member 1; plus strand), KCNQ1OT1 (KCNQ1 opposite strand/antisense transcript 1; minus strand). Cytogenetic location: 11p15.5.
Variant type: single nucleotide variant.
Coding change: c.1393+24730G>A on transcript NM_000218.3 (MANE Select); 24730 bases into the intron after coding-DNA position 1393, G replaced by A.
Molecular consequence: intron variant. On other transcripts: non-coding transcript variant (1).
Genome position (GRCh38, 1-based): chr11:2,613,584, G>A. VCF-style: chr11-2613584-G-A. GRCh37 (hg19) VCF-style: chr11-2634814-G-A.
Other names: c.1297+24730G>A (NM_001406836.1); c.853+24730G>A (NM_001406838.1); c.1012+24730G>A (NM_181798.2); c.1123+24730G>A (NM_001406837.1).
Identifiers: ClinVar variation 3898449 (VCV003898449.7).